The following is an entry in ClinVar:

NM_000275.3(OCA2):c.2378G>T (p.Cys793Phe)

Gene: OCA2 (OCA2 melanosomal transmembrane protein; minus strand). Cytogenetic location: 15q13.1.
Variant type: single nucleotide variant.
Coding change: c.2378G>T on transcript NM_000275.3 (MANE Select); coding-DNA position 2378, G replaced by T.
Protein change: p.Cys793Phe; replaces cysteine 793 with phenylalanine.
Molecular consequence: missense variant.
Genome position (GRCh38, 1-based): chr15:27,845,013, C>A on the plus strand (G>T on the coding strand, the complement: OCA2 is on the minus strand). VCF-style: chr15-27845013-C-A. GRCh37 (hg19) VCF-style: chr15-28090159-C-A.
Other names: c.2306G>T, p.Cys769Phe (NM_001300984.2); short protein forms C769F, C793F.
Identifiers: ClinVar variation 4710152 (VCV004710152.2).

ClinVar aggregate classification (germline): Pathogenic. Review status: criteria provided, multiple submitters, no conflicts (2 of 4 stars). 2 submissions from 2 submitters: Pathogenic (2). Last evaluated 2025-05-28.

Conditions:
OCA2-related disorder. Also called: OCA2-related condition.

Submissions (2):

Labcorp Genetics (formerly Invitae), Labcorp
Classification: Pathogenic. Last evaluated: 2025-05-28. Review status: criteria provided, single submitter. Criteria: Invitae Variant Classification Sherloc (09022015). Collection method: clinical testing. Allele origin: germline.
Comment: This sequence change replaces cysteine, which is neutral and slightly polar, with phenylalanine, which is neutral and non-polar, at codon 793 of the OCA2 protein (p.Cys793Phe). This variant is not present in population databases (gnomAD no frequency). This missense change has been observed in individual(s) with autosomal recessive oculocutaneous albinism (PMID: 17960121). In at least one individual the data is consistent with being in trans (on the opposite chromosome) from a pathogenic variant. It has also been observed to segregate with disease in related individuals. Invitae Evidence Modeling of protein sequence and biophysical properties (such as structural, functional, and spatial information, amino acid conservation, physicochemical variation, residue mobility, and thermodynamic stability) indicates that this missense variant is expected to disrupt OCA2 protein function with a positive predictive value of 80%. This variant disrupts the p.Cys793 amino acid residue in OCA2. Other variant(s) that disrupt this residue have been determined to be pathogenic (PMID: 27734839, 29345414). This suggests that this residue is clinically significant, and that variants that disrupt this residue are likely to be disease-causing. For these reasons, this variant has been classified as Pathogenic.

Blueprint Genetics
Classification: Pathogenic for OCA2-related disorders. Last evaluated: 2022-01-14. Review status: criteria provided, single submitter. Criteria: ACMG Guidelines, 2015. Collection method: clinical testing. Allele origin: germline. Affected: yes. Observed: 1 variant allele.

Literature cited by the submitters: PubMed 17960121 (cited by Labcorp Genetics (formerly Invitae), Labcorp); PubMed 27734839 (cited by Labcorp Genetics (formerly Invitae), Labcorp); PubMed 29345414 (cited by Labcorp Genetics (formerly Invitae), Labcorp).